The following is an entry in ClinVar:

ClinVar aggregate classification (germline): Uncertain significance (1 of 4 stars; one submission).

Conditions:
Cardiovascular phenotype. Identifiers: MedGen CN230736.

gnomAD v4.1: 5 of 1,215,028 alleles (0.00041%); highest among the groups gnomAD compares: African/African-American, 0.0047%; no homozygotes.

Submission:

Ambry Genetics
Classification: Uncertain significance for Cardiovascular phenotype. Last evaluated: 2025-08-28. Review status: criteria provided, single submitter. Criteria: Ambry Variant Classification Scheme 2023. Collection method: clinical testing. Allele origin: germline.
Comment: The p.A3V variant (also known as c.8C>T), located in coding exon 1 of the LDLRAP1 gene, results from a C to T substitution at nucleotide position 8. The alanine at codon 3 is replaced by valine, an amino acid with similar properties. This amino acid position is conserved. In addition, this alteration is predicted to be tolerated by in silico analysis. Based on the available evidence, the clinical significance of this variant remains unclear.

NM_015627.3(LDLRAP1):c.8C>T (p.Ala3Val)

Genes: LDLRAP1 (low density lipoprotein receptor adaptor protein 1; plus strand), LOC129929773 (ATAC-STARR-seq lymphoblastoid silent region 456; plus strand). Cytogenetic location: 1p36.11.
Variant type: single nucleotide variant.
Coding change: c.8C>T on transcript NM_015627.3 (MANE Select); coding-DNA position 8, C replaced by T.
Protein change: p.Ala3Val; replaces alanine 3 with valine.
Molecular consequence: missense variant.
Genome position (GRCh38, 1-based): chr1:25,543,706, C>T. VCF-style: chr1-25543706-C-T. GRCh37 (hg19) VCF-style: chr1-25870197-C-T.
Other names: short protein forms A3V.
Identifiers: ClinVar variation 4097180 (VCV004097180.1).